The following is an entry in ClinVar:

NM_000222.3(KIT):c.1781C>T (p.Thr594Ile)

Gene: KIT (KIT proto-oncogene, receptor tyrosine kinase; plus strand). Cytogenetic location: 4q12.
Variant type: single nucleotide variant.
Coding change: c.1781C>T on transcript NM_000222.3 (MANE Select); coding-DNA position 1781, C replaced by T.
Protein change: p.Thr594Ile; replaces threonine 594 with isoleucine.
Molecular consequence: missense variant.
Genome position (GRCh38, 1-based): chr4:54,727,829, C>T. VCF-style: chr4-54727829-C-T. GRCh37 (hg19) VCF-style: chr4-55593995-C-T.
Other names: c.1769C>T, p.Thr590Ile (NM_001093772.2, NM_001385286.1); c.1784C>T, p.Thr595Ile (NM_001385284.1, NM_001385290.1); c.1781C>T, p.Thr594Ile (NM_001385285.1); c.1772C>T, p.Thr591Ile (NM_001385288.1, NM_001385292.1); short protein forms T594I, T590I, T591I, T595I.
Identifiers: ClinVar variation 409793 (VCV000409793.27), dbSNP rs375351432, ClinGen allele CA2923579.

ClinVar aggregate classification (germline): Conflicting classifications of pathogenicity. Review status: criteria provided, conflicting classifications (1 of 4 stars). 7 submissions from 7 submitters: Uncertain significance (5); Likely benign (2). Last evaluated 2026-08-25.

Conditions:
KIT-related disorder. Also called: KIT-related condition.
Piebaldism. Also called: Piebald skin depigmentation. Identifiers: Orphanet 2884, MedGen C0080024, MONDO:0008244, OMIM 172800, HP:0007544.
Mastocytosis. Also called: Mast Cell Disease. Identifiers: Orphanet 98292, MedGen C0024899, MONDO:0007950, HP:0100495.
Gastrointestinal stromal tumor. Also called: Gastrointestinal stroma tumor; Gastrointestinal stromal tumor, somatic. Identifiers: Orphanet 44890, MedGen C0238198, MeSH D046152, MONDO:0011719, OMIM 606764, HP:0100723.
Hereditary cancer-predisposing syndrome. Also called: Neoplastic Syndromes, Hereditary; Tumor predisposition; Hereditary Cancer Syndrome; Hereditary neoplastic syndrome. Identifiers: Orphanet 140162, MedGen C0027672, MeSH D009386, MONDO:0015356.

Allele frequency attached by ClinVar (database versions not stated): ExAC 0.00001; gnomAD 0.00001; gnomAD exomes 0.00001; ESP Exome Variant Server 0.00008.
gnomAD v4.1: 17 of 1,612,442 alleles (0.0011%); highest among the groups gnomAD compares: South Asian, 0.0022%; no homozygotes.

Submissions (7):

PreventionGenetics, part of Exact Sciences
Classification: Uncertain significance for KIT-related condition. Last evaluated: 2026-08-25. Review status: criteria provided, single submitter. Criteria: ACMG Guidelines, 2015. Collection method: clinical testing. Allele origin: germline.
Comment: The KIT c.1781C>T variant is predicted to result in the amino acid substitution p.Thr594Ile. To our knowledge, this variant has not been reported in the literature. This variant is reported in 3 of ~251,000 alleles in gnomAD. This variant has conflicting interpretations ranging from uncertain to likely benign in ClinVar (Variation ID: 409793). At this time, the clinical significance of this variant is uncertain due to the absence of conclusive functional and genetic evidence.

Myriad Genetics, Inc.
Classification: Likely benign for Gastrointestinal stromal tumor. Last evaluated: 2026-05-27. Review status: criteria provided, single submitter. Criteria: Myriad Autosomal Dominant, Autosomal Recessive and X-Linked Classification Criteria (2023). Collection method: clinical testing. Allele origin: unknown.
Comment: This variant is considered likely benign. This variant has been observed at a population frequency that is significantly greater than expected given the associated disease prevalence and penetrance.

Labcorp Genetics (formerly Invitae), Labcorp
Classification: Uncertain significance for Gastrointestinal stromal tumor. Last evaluated: 2026-01-26. Review status: criteria provided, single submitter. Criteria: Invitae Variant Classification Sherloc (09022015). Collection method: clinical testing. Allele origin: germline.
Comment: This sequence change replaces threonine, which is neutral and polar, with isoleucine, which is neutral and non-polar, at codon 594 of the KIT protein (p.Thr594Ile). This variant is present in population databases (rs375351432, gnomAD 0.003%). This variant has not been reported in the literature in individuals affected with KIT-related conditions. ClinVar contains an entry for this variant (Variation ID: 409793). An algorithm developed to predict the effect of missense changes on protein structure and function (PolyPhen-2) suggests that this variant is likely to be disruptive. In summary, the available evidence is currently insufficient to determine the role of this variant in disease. Therefore, it has been classified as a Variant of Uncertain Significance.

Ambry Genetics
Classification: Likely benign for Hereditary cancer-predisposing syndrome. Last evaluated: 2025-09-10. Review status: criteria provided, single submitter. Criteria: Ambry Variant Classification Scheme 2023. Collection method: clinical testing. Allele origin: germline.

Baylor Genetics
Classification: Uncertain significance for Gastrointestinal stromal tumor. Last evaluated: 2024-02-06. Review status: criteria provided, single submitter. Criteria: ACMG Guidelines, 2015. Collection method: clinical testing. Allele origin: unknown.

GeneDx
Classification: Uncertain significance. Last evaluated: 2023-09-20. Review status: criteria provided, single submitter. Criteria: GeneDx Variant Classification Process June 2021. Collection method: clinical testing. Allele origin: germline. Affected: yes.
Comment: Not observed at significant frequency in large population cohorts (gnomAD); In silico analysis supports that this missense variant has a deleterious effect on protein structure/function; Has not been previously published as pathogenic or benign to our knowledge; This variant is associated with the following publications: (PMID: 27027238, 32441621)

Institute for Clinical Genetics, University Hospital TU Dresden, University Hospital TU Dresden
Classification: Uncertain significance. Last evaluated: 2021-11-03. Review status: criteria provided, single submitter. Criteria: ACMG Guidelines, 2015. Collection method: clinical testing. Allele origin: germline.